The following is an entry in ClinVar:

NM_022114.4(PRDM16):c.108C>T (p.Asp36=)

Gene: PRDM16 (PR/SET domain 16; plus strand). Cytogenetic location: 1p36.32.
Variant type: single nucleotide variant.
Coding change: c.108C>T on transcript NM_022114.4 (MANE Select); coding-DNA position 108, C replaced by T.
Protein change: p.Asp36=; no amino-acid change (aspartic acid 36 retained).
Molecular consequence: synonymous variant.
Genome position (GRCh38, 1-based): chr1:3,186,195, C>T. VCF-style: chr1-3186195-C-T. GRCh37 (hg19) VCF-style: chr1-3102759-C-T.
Other names: c.108C>T, p.Asp36= (NM_199454.3).
Identifiers: ClinVar variation 512567 (VCV000512567.11), dbSNP rs770557050, ClinGen allele CA543705.
Genomic context (GRCh38, chr1:3,186,195, plus strand): 5'-CGTTGTAAATAATATGTATGAGCCCAACCGGGACCTGCTGGCCAGCCACAGCGCGGAGGA[C>T]GAGGCCGAGGACAGTGCCATGTCGCCCATCCCCGTGGGGCCACCGTCCCCCTTCCCCACC-3'
Protein context (NP_071397.3, residues 26-46): RDLLASHSAE[Asp36=]EAEDSAMSPI

ClinVar aggregate classification (germline): Likely benign. Review status: criteria provided, multiple submitters, no conflicts (2 of 4 stars). 3 submissions from 3 submitters: Likely benign (3). Last evaluated 2025-12-09.

Conditions:
Left ventricular noncompaction 8 (LVNC8). Identifiers: Orphanet 154, Orphanet 54260, MedGen C3809288, MONDO:0014152, OMIM 615373.

Allele frequency attached by ClinVar (database versions not stated): gnomAD 0.00001 and 0.00002; gnomAD exomes 0.00002 and 0.00004; ExAC 0.00003; TOPMed 0.00004.
gnomAD v4.1: 28 of 1,612,730 alleles (0.0017%); highest among the groups gnomAD compares: Middle Eastern, 0.016%; no homozygotes.

Submissions (3):

Labcorp Genetics (formerly Invitae), Labcorp
Classification: Likely benign for Left ventricular noncompaction 8. Last evaluated: 2025-12-09. Review status: criteria provided, single submitter. Criteria: Invitae Variant Classification Sherloc (09022015). Collection method: clinical testing. Allele origin: germline.

Blueprint Genetics
Classification: Likely benign. Last evaluated: 2023-08-01. Review status: criteria provided, single submitter. Criteria: ACMG Guidelines, 2015. Collection method: clinical testing. Allele origin: germline.

GeneDx
Classification: Likely benign. Last evaluated: 2017-10-17. Review status: criteria provided, single submitter. Criteria: GeneDx Variant Classification (06012015). Collection method: clinical testing. Allele origin: germline. Affected: yes.
Comment: This variant is considered likely benign or benign based on one or more of the following criteria: it is a conservative change, it occurs at a poorly conserved position in the protein, it is predicted to be benign by multiple in silico algorithms, and/or has population frequency not consistent with disease.